The following is an entry in ClinVar:

ClinVar aggregate classification (germline): Uncertain significance. Review status: criteria provided, multiple submitters, no conflicts (2 of 4 stars). 2 submissions from 2 submitters: Uncertain significance (2). Last evaluated 2023-12-27.

Conditions:
Inborn genetic diseases. Identifiers: MedGen C0950123, MeSH D030342.

Allele frequency attached by ClinVar (database versions not stated): TOPMed below 0.00001; gnomAD exomes 0.00002.

Submissions (2):

Ambry Genetics
Classification: Uncertain significance for Inborn genetic diseases. Last evaluated: 2023-12-27. Review status: criteria provided, single submitter. Criteria: Ambry Variant Classification Scheme 2023. Collection method: clinical testing. Allele origin: germline.

Labcorp Genetics (formerly Invitae), Labcorp
Classification: Uncertain significance. Last evaluated: 2022-08-16. Review status: criteria provided, single submitter. Criteria: Invitae Variant Classification Sherloc (09022015). Collection method: clinical testing. Allele origin: germline.
Comment: In summary, the available evidence is currently insufficient to determine the role of this variant in disease. Therefore, it has been classified as a Variant of Uncertain Significance. Algorithms developed to predict the effect of missense changes on protein structure and function are either unavailable or do not agree on the potential impact of this missense change (SIFT: "Tolerated"; PolyPhen-2: "Possibly Damaging"; Align-GVGD: "Class C0"). ClinVar contains an entry for this variant (Variation ID: 943587). This variant has not been reported in the literature in individuals affected with HMX1-related conditions. This variant is not present in population databases (gnomAD no frequency). This sequence change replaces alanine, which is neutral and non-polar, with threonine, which is neutral and polar, at codon 342 of the HMX1 protein (p.Ala342Thr).

NM_018942.3(HMX1):c.1024G>A (p.Ala342Thr)

Gene: HMX1 (H6 family homeobox 1; minus strand). Cytogenetic location: 4p16.1.
Variant type: single nucleotide variant.
Coding change: c.1024G>A on transcript NM_018942.3 (MANE Select); coding-DNA position 1024, G replaced by A.
Protein change: p.Ala342Thr; replaces alanine 342 with threonine.
Molecular consequence: missense variant. On other transcripts: intron variant (1).
Genome position (GRCh38, 1-based): chr4:8,867,716, C>T on the plus strand (G>A on the coding strand, the complement: HMX1 is on the minus strand). VCF-style: chr4-8867716-C-T. GRCh37 (hg19) VCF-style: chr4-8869442-C-T.
Other names: c.394+3505G>A (NM_001306142.2); short protein forms A342T.
Identifiers: ClinVar variation 943587 (VCV000943587.6), dbSNP rs943428959, ClinGen allele CA92349775.
Genomic context (GRCh38, chr4:8,867,716, plus strand): 5'-CCACAGGGTCGTGGGGAGAGGGCCCGGCAGGCGGGGCTCACACCAGGCCAGGCATCTGCG[C>T]CCGCAGAAAGGGCACGGAGGCGGCGGCCGGGAAGGCGGCCAGCGGGTAGGCGAGGGCCCC-3'
Protein context (NP_061815.2, residues 332-348): PAAASVPFLR[Ala342Thr]QMPGLV